The following is an entry in ClinVar:

ClinVar aggregate classification (germline): Uncertain significance (1 of 4 stars; one submission).

Submission:

Ambry Genetics
Classification: Uncertain significance. Last evaluated: 2022-06-13. Review status: criteria provided, single submitter. Criteria: Ambry Variant Classification Scheme 2023. Collection method: clinical testing. Allele origin: germline.
Comment: The p.P1810T variant (also known as c.5428C>A), located in coding exon 41 of the PRKDC gene, results from a C to A substitution at nucleotide position 5428. The proline at codon 1810 is replaced by threonine, an amino acid with highly similar properties. This amino acid position is conserved. In addition, this alteration is predicted to be tolerated by in silico analysis. Since supporting evidence is limited at this time, the clinical significance of this alteration remains unclear.

NM_006904.7(PRKDC):c.5428C>A (p.Pro1810Thr)

Gene: PRKDC (protein kinase, DNA-activated, catalytic subunit; minus strand). Cytogenetic location: 8q11.21.
Variant type: single nucleotide variant.
Coding change: c.5428C>A on transcript NM_006904.7 (MANE Select); coding-DNA position 5428, C replaced by A.
Protein change: p.Pro1810Thr; replaces proline 1810 with threonine.
Molecular consequence: missense variant.
Genome position (GRCh38, 1-based): chr8:47,864,699, G>T on the plus strand (C>A on the coding strand, the complement: PRKDC is on the minus strand). VCF-style: chr8-47864699-G-T. GRCh37 (hg19) VCF-style: chr8-48777260-G-T.
Other names: c.5428C>A, p.Pro1810Thr (NM_001081640.2); short protein forms P1810T.
Identifiers: ClinVar variation 1747474 (VCV001747474.2), dbSNP rs2088765614, ClinGen allele CA371163584.